The following is an entry in ClinVar:

NM_001303052.2(MYT1L):c.-1+4A>C

Gene: MYT1L (myelin transcription factor 1 like; minus strand). Cytogenetic location: 2p25.3.
Variant type: single nucleotide variant.
Coding change: c.-1+4A>C on transcript NM_001303052.2 (MANE Select); 4 bases into the intron after 1 bases upstream of the start codon, A replaced by C.
Molecular consequence: intron variant.
Genome position (GRCh38, 1-based): chr2:1,997,187, T>G on the plus strand (A>C on the coding strand, the complement: MYT1L is on the minus strand). VCF-style: chr2-1997187-T-G. GRCh37 (hg19) VCF-style: chr2-2000959-T-G.
Other names: c.-1+4A>C (NM_015025.4, NM_001329844.2, NM_001329847.2 and 6 more transcripts).
Identifiers: ClinVar variation 1805585 (VCV001805585.1), dbSNP rs2061953945, ClinGen allele CA923726147.

ClinVar aggregate classification (germline): Uncertain significance (1 of 4 stars; one submission).

Conditions:
Intellectual developmental disorder, autosomal dominant 39. Also called: Intellectual disability, autosomal dominant 39; Mental retardation, autosomal dominant 39. Identifiers: MedGen C4225296, MONDO:0014678, OMIM 616521.

Allele frequency attached by ClinVar (database versions not stated): TOPMed below 0.00001.

Submission:

Victorian Clinical Genetics Services, Murdoch Childrens Research Institute
Classification: Uncertain significance for Intellectual developmental disorder, autosomal dominant 39. Last evaluated: 2020-05-21. Review status: criteria provided, single submitter. Criteria: ACMG Guidelines, 2015. Collection method: clinical testing. Allele origin: germline. Inheritance: Autosomal dominant inheritance. Affected: yes.
Comment: Based on the classification scheme VCGS_Germline_v1.1.1, this variant is classified as 3C-VUS. Following criteria are met: 0102 - Loss-of-function is a known mechanism of disease for this gene. (N) 0107 - This gene is known to be associated with autosomal dominant disease. (N) 0212 - Non-canonical splice variant without proven consequence on splicing (no functional evidence available) (intron 5). (P) 0251 - Variant is heterozygous. (N) 0301 - Variant is absent from gnomAD. (P) 0506 - Abnormal splicing is not predicted and nucleotide is poorly conserved. (B) 0705 - No comparable variants have previous evidence for pathogenicity. (N) 0807 - Variant has not previously been reported in a clinical context. (N) 0905 - No segregation evidence has been identified for this variant in the literature. (N) 1007 - No published functional evidence has been identified for this variant. (N) 1208 - Inheritance information for this variant is not currently available. (N) Legend: (P) - Pathogenic, (N) - Neutral, (B) - Benign